The following is an entry in ClinVar:

ClinVar aggregate classification (germline): Uncertain significance (1 of 4 stars; one submission).

gnomAD v4.1: 22 of 1,613,514 alleles (0.0014%); highest among the groups gnomAD compares: Non-Finnish European, 0.0019%; no homozygotes.

Submission:

Women's Health and Genetics/Laboratory Corporation of America, LabCorp
Classification: Uncertain significance. Last evaluated: 2025-09-23. Review status: criteria provided, single submitter. Criteria: LabCorp Variant Classification Summary - May 2015. Collection method: clinical testing. Allele origin: germline.
Comment: Variant summary: ADGRV1 c.13357C>T (p.His4453Tyr) results in a conservative amino acid change in the encoded protein sequence. Algorithms developed to predict the effect of missense changes on protein structure and function are either unavailable or do not agree on the potential impact of this missense change. The variant was absent in 249004 control chromosomes (gnomAD). The available data on variant occurrences in the general population are insufficient to allow any conclusion about variant significance. To our knowledge, no occurrence of c.13357C>T in individuals affected with ADGRV1-related conditions and no experimental evidence demonstrating its impact on protein function have been reported. No submitters have cited clinical-significance assessments for this variant to ClinVar. Based on the evidence outlined above, the variant was classified as uncertain significance.

NM_032119.4(ADGRV1):c.13357C>T (p.His4453Tyr)

Gene: ADGRV1 (adhesion G protein-coupled receptor V1; plus strand). Cytogenetic location: 5q14.3.
Variant type: single nucleotide variant.
Coding change: c.13357C>T on transcript NM_032119.4 (MANE Select); coding-DNA position 13357, C replaced by T.
Protein change: p.His4453Tyr; replaces histidine 4453 with tyrosine.
Molecular consequence: missense variant. On other transcripts: non-coding transcript variant (1).
Genome position (GRCh38, 1-based): chr5:90,783,249, C>T. VCF-style: chr5-90783249-C-T. GRCh37 (hg19) VCF-style: chr5-90079066-C-T.
Other names: short protein forms H4453Y.
Identifiers: ClinVar variation 4536020 (VCV004536020.1).
Genomic context (GRCh38, chr5:90,783,249, plus strand): 5'-ACAGCTGATTTCATCTCTCAGAGCTCCTCTGCCAGTCCCGGAGGTGTTGATTACATTTTG[C>T]ATGGCAGTACAGTCACCTTTCAGCATGGGCAAAACTTAAGTTTTATAAATATCTCCATCA-3'
Protein context (NP_115495.3, residues 4443-4463): ASPGGVDYIL[His4453Tyr]GSTVTFQHGQ